The following is an entry in ClinVar:

NM_005475.3(SH2B3):c.1630C>T (p.His544Tyr)

Gene: SH2B3 (SH2B adaptor protein 3; plus strand). Cytogenetic location: 12q24.12.
Variant type: single nucleotide variant.
Coding change: c.1630C>T on transcript NM_005475.3 (MANE Select); coding-DNA position 1630, C replaced by T.
Protein change: p.His544Tyr; replaces histidine 544 with tyrosine.
Molecular consequence: missense variant.
Genome position (GRCh38, 1-based): chr12:111,448,204, C>T. VCF-style: chr12-111448204-C-T. GRCh37 (hg19) VCF-style: chr12-111886008-C-T.
Other names: c.1024C>T, p.His342Tyr (NM_001291424.1); short protein forms H544Y, H342Y.
Identifiers: ClinVar variation 4842829 (VCV004842829.1).

ClinVar aggregate classification (germline): Uncertain significance (1 of 4 stars; one submission).

Conditions:
Inborn genetic diseases. Identifiers: MedGen C0950123, MeSH D030342.

Submission:

Ambry Genetics
Classification: Uncertain significance for Inborn genetic diseases. Last evaluated: 2026-01-09. Review status: criteria provided, single submitter. Criteria: Ambry Variant Classification Scheme 2023. Collection method: clinical testing. Allele origin: germline.
Comment: The p.H544Y variant (also known as c.1630C>T), located in coding exon 7 of the SH2B3 gene, results from a C to T substitution at nucleotide position 1630. The histidine at codon 544 is replaced by tyrosine, an amino acid with similar properties. This amino acid position is conserved. In addition, this alteration is predicted to be tolerated by in silico analysis. Based on the available evidence, the clinical significance of this variant remains unclear.